The following is an entry in ClinVar:

ClinVar aggregate classification (germline): Uncertain significance. Review status: criteria provided, multiple submitters, no conflicts (2 of 4 stars). 2 submissions from 2 submitters: Uncertain significance (2). Last evaluated 2023-11-20.

Conditions:
RYR1-related disorder. Also called: RYR1-related disorders; RYR1-related condition. Identifiers: MedGen CN239331.
Malignant hyperthermia, susceptibility to, 1 (MHS1). Also called: Anesthesia related hyperthermia; Malignant hyperpyrexia; Fulminating hyperpyrexia; Pharmacogenic myopathy; RYR1-Related Malignant Hyperthermia Susceptibility; Malignant hyperthermia suceptibility 1. Identifiers: Orphanet 423, MedGen C2930980, MONDO:0007783, OMIM 145600.

Submissions (2):

All of Us Research Program, National Institutes of Health
Classification: Uncertain significance for Malignant hyperthermia, susceptibility to, 1. Last evaluated: 2023-11-20. Review status: criteria provided, single submitter. Criteria: ACMG Guidelines, 2015. Collection method: clinical testing. Allele origin: germline. Inheritance: Autosomal dominant inheritance. Observed: 2 variant alleles, 2 heterozygotes.
Comment: This variant causes a deletion of one amino acid in the RYR1 protein. To our knowledge, functional studies have not been reported for this variant. This variant has not been reported in individuals affected with RYR1-related disorders in the literature. This variant has not been identified in the general population by the Genome Aggregation Database (gnomAD). The available evidence is insufficient to determine the role of this variant in disease conclusively. Therefore, this variant is classified as a Variant of Uncertain Significance.

This study involves interpretation of variants in research participants for the purpose of population health screening. Participant phenotype was not available at the time of variant classification. Additional details can be found in publication PMID: 35346344, PMCID: PMC8962531

Labcorp Genetics (formerly Invitae), Labcorp
Classification: Uncertain significance for RYR1-related disorder. Last evaluated: 2021-12-09. Review status: criteria provided, single submitter. Criteria: Invitae Variant Classification Sherloc (09022015). Collection method: clinical testing. Allele origin: germline.
Comment: This variant, c.938_940del, results in the deletion of 1 amino acid(s) of the RYR1 protein (p.Phe313del), but otherwise preserves the integrity of the reading frame. This variant is not present in population databases (gnomAD no frequency). This variant has not been reported in the literature in individuals affected with RYR1-related conditions. Experimental studies and prediction algorithms are not available or were not evaluated, and the functional significance of this variant is currently unknown. In summary, the available evidence is currently insufficient to determine the role of this variant in disease. Therefore, it has been classified as a Variant of Uncertain Significance.

NM_000540.3(RYR1):c.938_940del (p.Phe313del)

Gene: RYR1 (ryanodine receptor 1; plus strand). Cytogenetic location: 19q13.2.
Variant type: Deletion.
Coding change: c.938_940del on transcript NM_000540.3 (MANE Select); coding-DNA positions 938 to 940, 3 bases deleted (TCT; older notation c.938_940delTCT).
Protein change: p.Phe313del; deletes phenylalanine 313.
Molecular consequence: inframe deletion.
Genome position (GRCh38, 1-based): chr19:38,448,492-38,448,494, TCT deleted; deleting any 3 consecutive bases within chr19:38,448,490-38,448,494 gives the same sequence; the c. name uses the placement nearest the transcript's 3' end. VCF-style (leftmost placement, unchanged base first): chr19-38448489-CCTT-C. GRCh37 (hg19) VCF-style: chr19-38939129-CCTT-C.
Other names: c.938_940del, p.Phe313del (NM_001042723.2); short protein forms F313del.
Identifiers: ClinVar variation 1414469 (VCV001414469.4), dbSNP rs2145360371, ClinGen allele CA2573156319.
Genomic context (GRCh38, chr19:38,448,489, plus strand): 5'-TCACCGAGGACCAGGGCCTGGTGGTGGTTGACGCCAGCAAGGCTCACACCAAGGCTACCT[CCTT>C]CTGCTTCCGCATCTCCAAGGTCAGTGGGGTTTGTGGCGCCCTCCCTCACCTGAAGCCCCC-3'